The following is an entry in ClinVar:

ClinVar aggregate classification (germline): Uncertain significance (1 of 4 stars; one submission).

Conditions:
Hereditary cancer-predisposing syndrome. Also called: Neoplastic Syndromes, Hereditary; Tumor predisposition; Hereditary neoplastic syndrome; Hereditary Cancer Syndrome. Identifiers: Orphanet 140162, MedGen C0027672, MeSH D009386, MONDO:0015356.

Submission:

Ambry Genetics
Classification: Uncertain significance for Hereditary cancer-predisposing syndrome. Last evaluated: 2023-12-17. Review status: criteria provided, single submitter. Criteria: Ambry Variant Classification Scheme 2023. Collection method: clinical testing. Allele origin: germline.
Comment: The p.D161E variant (also known as c.483C>A), located in coding exon 1 of the HOXB13 gene, results from a C to A substitution at nucleotide position 483. The aspartic acid at codon 161 is replaced by glutamic acid, an amino acid with highly similar properties. This amino acid position is conserved. In addition, this alteration is predicted to be tolerated by in silico analysis. Since supporting evidence is limited at this time, the clinical significance of this alteration remains unclear.

NM_006361.6(HOXB13):c.483C>A (p.Asp161Glu)

Gene: HOXB13 (homeobox B13; minus strand). Cytogenetic location: 17q21.32.
Variant type: single nucleotide variant.
Coding change: c.483C>A on transcript NM_006361.6 (MANE Select); coding-DNA position 483, C replaced by A.
Protein change: p.Asp161Glu; replaces aspartic acid 161 with glutamic acid.
Molecular consequence: missense variant.
Genome position (GRCh38, 1-based): chr17:48,728,111, G>T on the plus strand (C>A on the coding strand, the complement: HOXB13 is on the minus strand). VCF-style: chr17-48728111-G-T. GRCh37 (hg19) VCF-style: chr17-46805473-G-T.
Other names: short protein forms D161E.
Identifiers: ClinVar variation 3225541 (VCV003225541.1), dbSNP rs1597934066, ClinGen allele CA400107361.
Genomic context (GRCh38, chr17:48,728,111, plus strand): 5'-CTGGCTGTTCCAGCCACCAGCGAGAGCCCAAGACTGGTAACTGTCCACAGGCAACAGGGA[G>T]TCATGTCGCGGTTCTCCAGGAGCACCCAGAGTCTGCACCACAGACACGTCCAGGTAACTG-3'
Protein context (NP_006352.2, residues 151-171): TLGAPGEPRH[Asp161Glu]SLLPVDSYQS